The following is an entry in ClinVar:

NM_005560.6(LAMA5):c.5712C>T (p.Asp1904=)

Gene: LAMA5 (laminin subunit alpha 5; minus strand). Cytogenetic location: 20q13.33.
Variant type: single nucleotide variant.
Coding change: c.5712C>T on transcript NM_005560.6 (MANE Select); coding-DNA position 5712, C replaced by T.
Protein change: p.Asp1904=; no amino-acid change (aspartic acid 1904 retained).
Molecular consequence: synonymous variant.
Genome position (GRCh38, 1-based): chr20:62,324,136, G>A on the plus strand (C>T on the coding strand, the complement: LAMA5 is on the minus strand). VCF-style: chr20-62324136-G-A. GRCh37 (hg19) VCF-style: chr20-60899192-G-A.
Other names: c.5712C>T (NM_005560.4).
Identifiers: ClinVar variation 2175759 (VCV002175759.6), dbSNP rs139559822, ClinGen allele CA9942082.
Genomic context (GRCh38, chr20:62,324,136, plus strand): 5'-TTACTTGTTGGAAGGCACTGAGAGGGGGCAGGGGCAGCTGACACAGGGGGCGCTGGGGTC[G>A]TCCCTGCTGCTCACGAAGCCAGCCTGGCAGCGCTCACAGTGGGCCCCTTCGGTGTTGTGC-3'
Protein context (NP_005551.3, residues 1894-1914): RCQAGFVSSR[Asp1904=]DPSAPCVSCP

ClinVar aggregate classification (germline): Benign. Review status: criteria provided, single submitter (1 of 4 stars). 2 submissions from 2 submitters: Benign (1). 1 of the submissions does not count toward it. Last evaluated 2025-10-02.

Conditions:
LAMA5-related disorder. Also called: LAMA5-related condition; LAMA5-Related Disorders.

Allele frequency attached by ClinVar (database versions not stated): 1000 Genomes Project 30x 0.00016.

Submissions (2):

Labcorp Genetics (formerly Invitae), Labcorp
Classification: Benign. Last evaluated: 2025-10-02. Review status: criteria provided, single submitter. Criteria: Invitae Variant Classification Sherloc (09022015). Collection method: clinical testing. Allele origin: germline.

PreventionGenetics, part of Exact Sciences
Classification: Likely benign for LAMA5-related condition. Last evaluated: 2019-08-15. Review status: no assertion criteria provided. Collection method: clinical testing. Allele origin: germline. Not counted in ClinVar's aggregate classification.
Comment: This variant is classified as likely benign based on ACMG/AMP sequence variant interpretation guidelines (Richards et al. 2015 PMID: 25741868, with internal and published modifications).